The following is an entry in ClinVar:

NM_001375567.1(FOCAD):c.2230G>A (p.Asp744Asn)

Gene: FOCAD (focadhesin; plus strand). Cytogenetic location: 9p21.3.
Variant type: single nucleotide variant.
Coding change: c.2230G>A on transcript NM_001375567.1 (MANE Select); coding-DNA position 2230, G replaced by A.
Protein change: p.Asp744Asn; replaces aspartic acid 744 with asparagine.
Molecular consequence: missense variant.
Genome position (GRCh38, 1-based): chr9:20,874,720, G>A. VCF-style: chr9-20874720-G-A. GRCh37 (hg19) VCF-style: chr9-20874719-G-A.
Other names: c.2125G>A, p.Asp709Asn (NM_001375568.1, NM_001375570.1); c.2230G>A, p.Asp744Asn (NM_017794.5); short protein forms D744N, D709N.
Identifiers: ClinVar variation 4745694 (VCV004745694.1).

ClinVar aggregate classification (germline): Uncertain significance (1 of 4 stars; one submission).

gnomAD v4.1: 24 of 1,613,500 alleles (0.0015%); highest among the groups gnomAD compares: East Asian, 0.033%; no homozygotes.

Submission:

Labcorp Genetics (formerly Invitae), Labcorp
Classification: Uncertain significance. Last evaluated: 2025-12-28. Review status: criteria provided, single submitter. Criteria: Invitae Variant Classification Sherloc (09022015). Collection method: clinical testing. Allele origin: germline.
Comment: This sequence change replaces aspartic acid, which is acidic and polar, with asparagine, which is neutral and polar, at codon 744 of the FOCAD protein (p.Asp744Asn). This variant is present in population databases (rs543197802, gnomAD 0.06%), and has an allele count higher than expected for a pathogenic variant. This variant has not been reported in the literature in individuals affected with FOCAD-related conditions. Experimental studies and prediction algorithms are not available or were not evaluated, and the functional significance of this variant is currently unknown. In summary, the available evidence is currently insufficient to determine the role of this variant in disease. Therefore, it has been classified as a Variant of Uncertain Significance.